The following is an entry in ClinVar:

ClinVar aggregate classification (germline): Pathogenic/Likely pathogenic. Review status: criteria provided, multiple submitters, no conflicts (2 of 4 stars). 9 submissions from 9 submitters: Pathogenic (8); Likely pathogenic (1). Last evaluated 2025-10-26.

Conditions:
Cardiovascular phenotype. Identifiers: MedGen CN230736.
Cardiomyopathy (CMYO). Also called: Cardiomyopathies. Identifiers: Orphanet 167848, MedGen C0878544, MONDO:0004994, HP:0001638. Inheritance: Various modes of inheritance.
Arrhythmogenic right ventricular cardiomyopathy (ARVD). Also called: Arrhythmogenic cardiomyopathy; Arrhythmogenic Right Ventricular Cardiomyopathy (ARVC); Cardiomyopathy, ARVC; Arrhythmogenic right ventricular dysplasia. Identifiers: Orphanet 247, MedGen C0349788, MeSH D019571, MONDO:0016587. Disease mechanism: loss of function. Inheritance: Various modes of inheritance.
Arrhythmogenic right ventricular dysplasia 9 (ARVD9). Also called: Arrhythmogenic Right Ventricular Dysplasia/Cardiomyopathy 9; ARRHYTHMOGENIC RIGHT VENTRICULAR DYSPLASIA, FAMILIAL, 9. Identifiers: MedGen C1836906, MONDO:0012180, OMIM 609040.

Allele frequency attached by ClinVar (database versions not stated): ExAC 0.00001; gnomAD exomes 0.00001; gnomAD 0.00002; TOPMed 0.00002.
gnomAD v4.1: 13 of 1,614,096 alleles (0.00081%); highest among the groups gnomAD compares: African/African-American, 0.0067%; no homozygotes.

Submissions (9):

Labcorp Genetics (formerly Invitae), Labcorp
Classification: Pathogenic for Arrhythmogenic right ventricular dysplasia 9. Last evaluated: 2025-10-26. Review status: criteria provided, single submitter. Criteria: Invitae Variant Classification Sherloc (09022015). Collection method: clinical testing. Allele origin: germline.
Comment: This sequence change creates a premature translational stop signal (p.Tyr221*) in the PKP2 gene. It is expected to result in an absent or disrupted protein product. Loss-of-function variants in PKP2 are known to be pathogenic (PMID: 15489853, 17041889, 23911551). This variant is present in population databases (rs767987619, gnomAD 0.008%). This premature translational stop signal has been observed in individual(s) with arrhythmogenic right ventricular cardiomyopathy (PMID: 23889974, 24070718, 27532257, 29247119). ClinVar contains an entry for this variant (Variation ID: 201976). For these reasons, this variant has been classified as Pathogenic.

Ambry Genetics
Classification: Pathogenic for Cardiovascular phenotype. Last evaluated: 2024-08-16. Review status: criteria provided, single submitter. Criteria: Ambry Variant Classification Scheme 2023. Collection method: clinical testing. Allele origin: germline.
Comment: The p.Y221* pathogenic mutation (also known as c.663C>A), located in coding exon 3 of the PKP2 gene, results from a C to A substitution at nucleotide position 663. This changes the amino acid from a tyrosine to a stop codon within coding exon 3. This mutation has been reported in individuals with arrythmogenic right ventricular cardiomyopathy (Te Riele AS et al. J. Cardiovasc. Electrophysiol., 2013 Dec;24:1311-20; Rigato I et al. Circ Cardiovasc Genet, 2013 Dec;6:533-42; Walsh R et al. Genet. Med., 2017 Feb;19:192-203). This variant is considered to be rare based on population cohorts in the Genome Aggregation Database (gnomAD). In addition to the clinical data presented in the literature, this alteration is expected to result in loss of function by premature protein truncation or nonsense-mediated mRNA decay. As such, this alteration is interpreted as a disease-causing mutation.

GeneDx
Classification: Pathogenic. Last evaluated: 2024-06-03. Review status: criteria provided, single submitter. Criteria: GeneDx Variant Classification Process June 2021. Collection method: clinical testing. Allele origin: germline. Affected: yes.
Comment: Identified in association with ARVC in patients referred for genetic testing at GeneDx and in published literature; at least one patient harbored an additional cardiogenetic variant (PMID: 19569224, 24070718, 25820315, 27532257); Not observed at significant frequency in large population cohorts (gnomAD); Nonsense variant predicted to result in protein truncation or nonsense mediated decay in a gene for which loss of function is a known mechanism of disease; This variant is associated with the following publications: (PMID: 26314686, 34120153, 19569224, 26138720, 25820315, 27532257, 29759408, 28588093, 29247119, 28341588, 31386562, 31402444, 33087929, 24070718)

Genomic Medicine Center of Excellence, King Faisal Specialist Hospital and Research Centre
Classification: Pathogenic for Arrhythmogenic right ventricular dysplasia 9. Last evaluated: 2024-03-29. Review status: criteria provided, single submitter. Criteria: ACMG Guidelines, 2015. Collection method: clinical testing. Allele origin: germline.

All of Us Research Program, National Institutes of Health
Classification: Pathogenic for Arrhythmogenic right ventricular cardiomyopathy. Last evaluated: 2023-12-18. Review status: criteria provided, single submitter. Criteria: ACMG Guidelines, 2015. Collection method: clinical testing. Allele origin: germline. Inheritance: Autosomal dominant inheritance. Observed: 2 variant alleles, 2 heterozygotes.
Comment: The c.663C>A (p.Tyr221*) variant of the PKP2 gene creates a premature termination codon that is predicted to lead to an absent or truncated protein product. This variant has been reported in several unrelated individuals (>10) with arrhythmogenic cardiomyopathy/dysplasia (PMID: 23889974, 24070718, 27532257, 26314686, 26138720, 25820315, 29759408, 28588093). This variant was found to be rare (1/31394; 0.00003185) in the general population database (gnomAD) and classified as pathogenic by several ClinVar submitters (ClinVar ID: 201976). Loss of function variants are known to be pathogenic for PKP2 (PMID: 23911551, 15489853, 24704780, 29038103, 34120153). Loss of function variants downstream of this variant have been reported to be pathogenic in multiple individuals with ARVC/D (PMID:21606390) and classified as pathogenic by several ClinVar submitters (ClinVar ID:1996532, 464432). Therefore, the c.663C>A (p.Tyr221*) variant in the PKP2 gene is classified as pathogenic.

This study involves interpretation of variants in research participants for the purpose of population health screening. Participant phenotype was not available at the time of variant classification. Additional details can be found in publication PMID: 35346344, PMCID: PMC8962531

Color Diagnostics, LLC DBA Color Health
Classification: Pathogenic for Cardiomyopathy. Last evaluated: 2023-05-25. Review status: criteria provided, single submitter. Criteria: ACMG Guidelines, 2015. Collection method: clinical testing. Allele origin: germline.
Comment: This variant changes 1 nucleotide in exon 3 of the PKP2 gene, creating a premature translation stop signal. This variant is expected to result in an absent or non-functional protein product. This variant has been reported in five individuals affected with arrhythmogenic right ventricular cardiomyopathy (PMID: 25820315, 27532257, 28588093), in one individual affected with sudden unexplained death (PMID: 29247119), and in one individual suspected of having primary electrical disease (PMID: 28341588). This variant has also been reported in a compound or double heterozygous state in an individual affected with arrhythmogenic right ventricular cardiomyopathy (PMID: 24070718), This variant has been identified in 1/31394 chromosomes in the general population by the Genome Aggregation Database (gnomAD). Loss of PKP2 function is a known mechanism of disease. Based on the available evidence, this variant is classified as Pathogenic.

CHEO Genetics Diagnostic Laboratory, Children's Hospital of Eastern Ontario
Classification: Likely pathogenic for Cardiomyopathy. Last evaluated: 2022-11-09. Review status: criteria provided, single submitter. Criteria: ACMG Guidelines, 2015. Collection method: clinical testing. Allele origin: germline.

Baylor Genetics
Classification: Pathogenic for Arrhythmogenic right ventricular dysplasia 9. Last evaluated: 2017-09-01. Review status: criteria provided, single submitter. Criteria: ACMG Guidelines, 2015. Collection method: clinical testing. Allele origin: maternal. Inheritance: Autosomal dominant inheritance. Affected: yes.

Eurofins Ntd Llc (ga)
Classification: Pathogenic. Last evaluated: 2017-04-24. Review status: criteria provided, single submitter. Criteria: EGL Classification Definitions 2015. Collection method: clinical testing. Allele origin: germline. Observed: 3 variant alleles, 3 heterozygotes.

Literature cited by the submitters: PubMed 15489853 (cited by Labcorp Genetics (formerly Invitae), Labcorp and All of Us Research Program, National Institutes of Health); PubMed 17041889 (cited by Labcorp Genetics (formerly Invitae), Labcorp); PubMed 23911551 (cited by Labcorp Genetics (formerly Invitae), Labcorp and All of Us Research Program, National Institutes of Health); PubMed 23889974 (cited by 3 submitters); PubMed 24070718 (cited by 4 submitters); PubMed 27532257 (cited by 4 submitters); PubMed 29247119 (cited by Labcorp Genetics (formerly Invitae), Labcorp and Color Diagnostics, LLC DBA Color Health); PubMed 21606390 (cited by All of Us Research Program, National Institutes of Health); PubMed 24704780 (cited by All of Us Research Program, National Institutes of Health); PubMed 25820315 (cited by All of Us Research Program, National Institutes of Health and Color Diagnostics, LLC DBA Color Health); PubMed 26138720 (cited by All of Us Research Program, National Institutes of Health); PubMed 26314686 (cited by All of Us Research Program, National Institutes of Health); PubMed 28588093 (cited by All of Us Research Program, National Institutes of Health and Color Diagnostics, LLC DBA Color Health); PubMed 29038103 (cited by All of Us Research Program, National Institutes of Health); PubMed 29759408 (cited by All of Us Research Program, National Institutes of Health); PubMed 34120153 (cited by All of Us Research Program, National Institutes of Health); PubMed 28341588 (cited by Color Diagnostics, LLC DBA Color Health); PubMed 25326635 (cited by Baylor Genetics).

NM_001005242.3(PKP2):c.663C>A (p.Tyr221Ter)

Gene: PKP2 (plakophilin 2; minus strand). Cytogenetic location: 12p11.21.
Variant type: single nucleotide variant.
Coding change: c.663C>A on transcript NM_001005242.3 (MANE Select); coding-DNA position 663, C replaced by A.
Protein change: p.Tyr221Ter; replaces tyrosine 221 with a stop codon.
Molecular consequence: nonsense.
Genome position (GRCh38, 1-based): chr12:32,878,217, G>T on the plus strand (C>A on the coding strand, the complement: PKP2 is on the minus strand). VCF-style: chr12-32878217-G-T. GRCh37 (hg19) VCF-style: chr12-33031151-G-T.
Other names: p.Y221*:TAC>TAA; c.663C>A, p.Tyr221Ter (NM_004572.4); short protein forms Y221*.
Identifiers: ClinVar variation 201976 (VCV000201976.26), dbSNP rs767987619, ClinGen allele CA012429.